The following is an entry in ClinVar:

ClinVar aggregate classification (germline): Uncertain significance (1 of 4 stars; one submission).

Allele frequency attached by ClinVar (database versions not stated): gnomAD 0.00001; TOPMed 0.00001.
gnomAD v4.1: 9 of 1,614,096 alleles (0.00056%); highest among the groups gnomAD compares: Non-Finnish European, 0.00076%; no homozygotes.

Submission:

Labcorp Genetics (formerly Invitae), Labcorp
Classification: Uncertain significance. Last evaluated: 2021-11-03. Review status: criteria provided, single submitter. Criteria: Invitae Variant Classification Sherloc (09022015). Collection method: clinical testing. Allele origin: germline.
Comment: In summary, the available evidence is currently insufficient to determine the role of this variant in disease. Therefore, it has been classified as a Variant of Uncertain Significance. Algorithms developed to predict the effect of sequence changes on RNA splicing suggest that this variant may create or strengthen a splice site. Algorithms developed to predict the effect of missense changes on protein structure and function output the following: SIFT: "Tolerated"; PolyPhen-2: "Benign"; Align-GVGD: "Class C0". The glutamine amino acid residue is found in multiple mammalian species, which suggests that this missense change does not adversely affect protein function. This missense change has been observed in individual(s) with Alzheimer disease (PMID: 24899047, 27589997). This variant is not present in population databases (gnomAD no frequency). This sequence change replaces histidine, which is basic and polar, with glutamine, which is neutral and polar, at codon 215 of the TREM2 protein (p.His215Gln).

Literature cited by the submitters: PubMed 24899047; PubMed 27589997.

NM_018965.4(TREM2):c.645T>G (p.His215Gln)

Gene: TREM2 (triggering receptor expressed on myeloid cells 2; minus strand). Cytogenetic location: 6p21.1.
Variant type: single nucleotide variant.
Coding change: c.645T>G on transcript NM_018965.4 (MANE Select); coding-DNA position 645, T replaced by G.
Protein change: p.His215Gln; replaces histidine 215 with glutamine.
Molecular consequence: missense variant. On other transcripts: intron variant (1).
Genome position (GRCh38, 1-based): chr6:41,158,904, A>C on the plus strand (T>G on the coding strand, the complement: TREM2 is on the minus strand). VCF-style: chr6-41158904-A-C. GRCh37 (hg19) VCF-style: chr6-41126642-A-C.
Other names: c.483-124T>G (NM_001271821.2); short protein forms H215Q.
Identifiers: ClinVar variation 1504655 (VCV001504655.6), dbSNP rs1161481912, ClinGen allele CA364057361.